The following is an entry in ClinVar:

ClinVar aggregate classification (germline): Likely benign (1 of 4 stars; one submission).

Conditions:
MID1-related disorder. Also called: MID1-related condition.

gnomAD v4.1: 34 of 1,188,838 alleles (0.0029%); highest among the groups gnomAD compares: African/African-American, 0.039%; no homozygotes.

Submission:

PreventionGenetics, part of Exact Sciences
Classification: Likely benign for MID1-related condition. Last evaluated: 2026-04-03. Review status: criteria provided, single submitter. Criteria: ACMG Guidelines, 2015. Collection method: clinical testing. Allele origin: germline.
Comment: This variant is classified as likely benign based on ACMG/AMP sequence variant interpretation guidelines (Richards et al. 2015 PMID: 25741868, with internal and published modifications).

NM_000381.4(MID1):c.1285+163C>T

Gene: MID1 (midline 1; minus strand). Cytogenetic location: Xp22.2.
Variant type: single nucleotide variant.
Coding change: c.1285+163C>T on transcript NM_000381.4 (MANE Select); 163 bases into the intron after coding-DNA position 1285, C replaced by T.
Molecular consequence: intron variant. On other transcripts: missense variant (3).
Genome position (GRCh38, 1-based): chrX:10,469,534, G>A on the plus strand (C>T on the coding strand, the complement: MID1 is on the minus strand). VCF-style: chrX-10469534-G-A. GRCh37 (hg19) VCF-style: chrX-10437574-G-A.
Other names: c.1601C>T, p.Thr534Ile (NM_001193278.1); c.1448C>T, p.Thr483Ile (NM_001193279.1); c.1334C>T, p.Thr445Ile (NM_001193280.1); c.1285+163C>T (NM_033290.4, NM_001098624.2, NM_001347733.2 and 1 more transcripts); c.1171+163C>T (NM_033289.2); short protein forms T483I, T534I, T445I.
Identifiers: ClinVar variation 4981767 (VCV004981767.1).